The following is an entry in ClinVar:

ClinVar aggregate classification (germline): Likely benign (1 of 4 stars; one submission).

Allele frequency attached by ClinVar (database versions not stated): gnomAD 0.00003 and 0.00001; gnomAD exomes 0.00003 and 0.00005; ExAC 0.00004; 1000 Genomes Project 30x 0.00016; 1000 Genomes Project 0.00020; TOPMed 0.00002.
gnomAD v4.1: 55 of 1,613,778 alleles (0.0034%); highest among the groups gnomAD compares: South Asian, 0.04%; 1 homozygote.

Submission:

Laboratory for Molecular Medicine, Mass General Brigham Personalized Medicine
Classification: Likely benign. Last evaluated: 2016-10-27. Review status: criteria provided, single submitter. Criteria: LMM Criteria. Collection method: clinical testing. Allele origin: germline. Observed: 1 variant allele.
Comment: p.Ala135Ala in Exon 4 of ACT1G: This variant is not expected to have clinical s ignificance because it does not alter an amino acid residue and is not located w ithin the splice consensus sequence. It has been identified in 4/16380 South Asi an chromosomes by the Exome Aggregation Consortium (ExAC; dbSNP rs576214455).

NM_001614.5(ACTG1):c.405C>T (p.Ala135=)

Gene: ACTG1 (actin gamma 1; minus strand). Cytogenetic location: 17q25.3.
Variant type: single nucleotide variant.
Coding change: c.405C>T on transcript NM_001614.5 (MANE Select); coding-DNA position 405, C replaced by T.
Protein change: p.Ala135=; no amino-acid change (alanine 135 retained).
Molecular consequence: synonymous variant. On other transcripts: non-coding transcript variant (1).
Genome position (GRCh38, 1-based): chr17:81,511,585, G>A on the plus strand (C>T on the coding strand, the complement: ACTG1 is on the minus strand). VCF-style: chr17-81511585-G-A. GRCh37 (hg19) VCF-style: chr17-79478611-G-A.
Other names: c.405C>T, p.Ala135= (NM_001199954.3).
Identifiers: ClinVar variation 505320 (VCV000505320.4), dbSNP rs576214455, ClinGen allele CA8836084.